The following is an entry in ClinVar:

ClinVar aggregate classification (germline): Benign (0 of 4 stars; one submission).

Conditions:
EFCAB13-related disorder. Also called: EFCAB13-related condition.

Allele frequency attached by ClinVar (database versions not stated): 1000 Genomes Project 30x 0.00062; 1000 Genomes Project 0.00080; gnomAD 0.00091; ExAC 0.00133.
gnomAD v4.1: 902 of 1,605,002 alleles (0.056%); highest among the groups gnomAD compares: Admixed American, 0.95%; 3 homozygotes.

Submission:

PreventionGenetics, part of Exact Sciences
Classification: Benign for EFCAB13-related condition. Last evaluated: 2019-02-20. Review status: no assertion criteria provided. Collection method: clinical testing. Allele origin: germline.
Comment: This variant is classified as benign based on ACMG/AMP sequence variant interpretation guidelines (Richards et al. 2015 PMID: 25741868, with internal and published modifications).

NM_152347.5(EFCAB13):c.2682C>T (p.Ser894=)

Gene: EFCAB13 (EF-hand calcium binding domain 13; plus strand). Cytogenetic location: 17q21.32.
Variant type: single nucleotide variant.
Coding change: c.2682C>T on transcript NM_152347.5 (MANE Select); coding-DNA position 2682, C replaced by T.
Protein change: p.Ser894=; no amino-acid change (serine 894 retained).
Molecular consequence: synonymous variant.
Genome position (GRCh38, 1-based): chr17:47,440,474, C>T. VCF-style: chr17-47440474-C-T. GRCh37 (hg19) VCF-style: chr17-45517840-C-T.
Identifiers: ClinVar variation 3034231 (VCV003034231.2), dbSNP rs200910398, ClinGen allele CA8624353.
Genomic context (GRCh38, chr17:47,440,474, plus strand): 5'-TATGCTTTGCCTTACAGAAAGTGGCAAGGTTAGCATTCAAGAATTTATGACTAAATTATC[C>T]GATATATTGACAATTCCTAAAGCTGCAGGTAAGTTTTATTTAATATGTACTTATTGCCCA-3'
Protein context (NP_689560.3, residues 884-904): VSIQEFMTKL[Ser894=]DILTIPKAAG